The following is an entry in ClinVar:

ClinVar aggregate classification (germline): Likely benign (1 of 4 stars; one submission).

gnomAD v4.1: 44 of 1,060,558 alleles (0.0041%); highest among the groups gnomAD compares: Middle Eastern, 0.027%; 12 homozygotes.

Submission:

CeGaT Center for Human Genetics Tuebingen
Classification: Likely benign. Last evaluated: 2026-06-01. Review status: criteria provided, single submitter. Criteria: CeGaT Center For Human Genetics Tuebingen Variant Classification Criteria Version 2. Collection method: clinical testing. Allele origin: germline. Affected: yes. Observed: 1 variant allele.
Comment: AHNAK2: BP4, BP7, BS2

NM_138420.4(AHNAK2):c.4398A>G (p.Pro1466=)

Gene: AHNAK2 (AHNAK nucleoprotein 2; minus strand). Cytogenetic location: 14q32.33.
Variant type: single nucleotide variant.
Coding change: c.4398A>G on transcript NM_138420.4 (MANE Select); coding-DNA position 4398, A replaced by G.
Protein change: p.Pro1466=; no amino-acid change (proline 1466 retained).
Molecular consequence: synonymous variant.
Genome position (GRCh38, 1-based): chr14:104,951,053, T>C on the plus strand (A>G on the coding strand, the complement: AHNAK2 is on the minus strand). VCF-style: chr14-104951053-T-C. GRCh37 (hg19) VCF-style: chr14-105417390-T-C.
Other names: c.4098A>G, p.Pro1366= (NM_001350929.2).
Identifiers: ClinVar variation 4872915 (VCV004872915.2).